The following is an entry in ClinVar:

ClinVar aggregate classification (germline): Uncertain significance. Review status: criteria provided, multiple submitters, no conflicts (2 of 4 stars). 6 submissions from 6 submitters: Uncertain significance (6). Last evaluated 2026-03-31.

Conditions:
Ehlers-Danlos syndrome, kyphoscoliotic type 1 (EDSKSCL1). Also called: Ehlers-Danlos syndrome, hydroxylysine-deficient; EHLERS-DANLOS SYNDROME, TYPE VIA; EHLERS-DANLOS SYNDROME, OCULAR-SCOLIOTIC TYPE; PLOD1-Related Kyphoscoliotic Ehlers-Danlos Syndrome. Identifiers: Orphanet 1900, MedGen C0268342, MONDO:0016002, OMIM 225400. Disease mechanism: loss of function.
PLOD1-related disorder. Also called: PLOD1-related condition.
Familial thoracic aortic aneurysm and aortic dissection (TAAD). Also called: Thoracic aortic aneurysms and dissections. Identifiers: Orphanet 91387, MedGen C4707243, MONDO:0019625.

Submissions (6):

PreventionGenetics, part of Exact Sciences
Classification: Uncertain significance for PLOD1-related condition. Last evaluated: 2026-03-31. Review status: criteria provided, single submitter. Criteria: ACMG Guidelines, 2015. Collection method: clinical testing. Allele origin: germline.
Comment: The PLOD1 c.315_317delGTT variant is predicted to result in an in-frame deletion (p.Phe106del). To our knowledge, this variant has not been reported in the literature. This variant is reported in 0.0044% of alleles in individuals of European (Non-Finnish) descent in gnomAD. At this time, the clinical significance of this variant is uncertain due to the absence of conclusive functional and genetic evidence.

Women's Health and Genetics/Laboratory Corporation of America, LabCorp
Classification: Uncertain significance. Last evaluated: 2025-07-16. Review status: criteria provided, single submitter. Criteria: LabCorp Variant Classification Summary - May 2015. Collection method: clinical testing. Allele origin: germline.
Comment: Variant summary: PLOD1 c.315_317delGTT (p.Phe106del) results in an in-frame deletion that is predicted to remove 1 amino acid from the encoded protein. The variant allele was found at a frequency of 2e-05 in 250210 control chromosomes. The available data on variant occurrences in the general population are insufficient to allow any conclusion about variant significance. To our knowledge, no occurrence of c.315_317delGTT in individuals affected with Ehlers-Danlos Syndrome Type VI and no experimental evidence demonstrating its impact on protein function have been reported. ClinVar contains an entry for this variant (Variation ID: 657826). Based on the evidence outlined above, the variant was classified as uncertain significance.

GeneDx
Classification: Uncertain significance. Last evaluated: 2024-09-23. Review status: criteria provided, single submitter. Criteria: GeneDx Variant Classification Process June 2021. Collection method: clinical testing. Allele origin: germline. Affected: yes.
Comment: In-frame deletion of 1 amino acid in a non-repeat region; Not observed at significant frequency in large population cohorts (gnomAD); In silico analysis supports a deleterious effect on protein structure/function; Has not been previously published as pathogenic or benign to our knowledge

Ambry Genetics
Classification: Uncertain significance for Familial thoracic aortic aneurysm and aortic dissection. Last evaluated: 2024-08-15. Review status: criteria provided, single submitter. Criteria: Ambry Variant Classification Scheme 2023. Collection method: clinical testing. Allele origin: germline.
Comment: The c.315_317delGTT variant (also known as p.F106del) is located in coding exon 4 of the PLOD1 gene. This variant results from an in-frame GTT deletion at nucleotide positions 315 to 317. This results in the in-frame deletion of a phenylalanine at codon 106. This amino acid position is highly conserved in available vertebrate species. In addition, this alteration is predicted to be deleterious by in silico analysis (Choi Y et al. PLoS ONE. 2012; 7(10):e46688). Since supporting evidence is limited at this time, the clinical significance of this alteration remains unclear.

Labcorp Genetics (formerly Invitae), Labcorp
Classification: Uncertain significance for Ehlers-Danlos syndrome, kyphoscoliotic type 1. Last evaluated: 2021-08-27. Review status: criteria provided, single submitter. Criteria: Invitae Variant Classification Sherloc (09022015). Collection method: clinical testing. Allele origin: germline.
Comment: This variant, c.315_317del, results in the deletion of 1 amino acid(s) of the PLOD1 protein (p.Phe106del), but otherwise preserves the integrity of the reading frame. This variant is present in population databases (rs770511543, ExAC 0.005%). This variant has not been reported in the literature in individuals affected with PLOD1-related conditions. Experimental studies and prediction algorithms are not available or were not evaluated, and the functional significance of this variant is currently unknown. In summary, the available evidence is currently insufficient to determine the role of this variant in disease. Therefore, it has been classified as a Variant of Uncertain Significance.

Mayo Clinic Laboratories, Mayo Clinic
Classification: Uncertain significance. Last evaluated: 2020-10-19. Review status: criteria provided, single submitter. Criteria: ACMG Guidelines, 2015. Collection method: clinical testing. Allele origin: germline. Observed: 1 variant allele.

NM_000302.4(PLOD1):c.315_317del (p.Phe106del)

Gene: PLOD1 (procollagen-lysine,2-oxoglutarate 5-dioxygenase 1; plus strand). Cytogenetic location: 1p36.22.
Variant type: Deletion.
Coding change: c.315_317del on transcript NM_000302.4 (MANE Select); coding-DNA positions 315 to 317, 3 bases deleted (GTT; older notation c.315_317delGTT).
Protein change: p.Phe106del; deletes phenylalanine 106.
Molecular consequence: inframe deletion.
Genome position (GRCh38, 1-based): chr1:11,950,369-11,950,371, GTT deleted; deleting any 3 consecutive bases within chr1:11,950,368-11,950,371 gives the same sequence; the c. name uses the placement nearest the transcript's 3' end. VCF-style (leftmost placement, unchanged base first): chr1-11950367-CTGT-C. GRCh37 (hg19) VCF-style: chr1-12010424-CTGT-C.
Other names: c.456_458del, p.Phe153del (NM_001316320.2); c.315_317del (NM_000302.3); c.315_317delGTT (NM_000302.4); short protein forms F153del, F106del.
Identifiers: ClinVar variation 657826 (VCV000657826.23), dbSNP rs770511543, ClinGen allele CA597873.